The following is an entry in ClinVar:

NM_005357.4(LIPE):c.3195T>G (p.Ala1065=)

Genes: LIPE (lipase E, hormone sensitive type; minus strand), LIPE-AS1 (LIPE antisense RNA 1; plus strand), LOC101930071 (uncharacterized LOC101930071; plus strand). Cytogenetic location: 19q13.2.
Variant type: single nucleotide variant.
Coding change: c.3195T>G on transcript NM_005357.4 (MANE Select); coding-DNA position 3195, T replaced by G.
Protein change: p.Ala1065=; no amino-acid change (alanine 1065 retained).
Molecular consequence: synonymous variant.
Genome position (GRCh38, 1-based): chr19:42,401,848, A>C on the plus strand (T>G on the coding strand, the complement: LIPE is on the minus strand). VCF-style: chr19-42401848-A-C. GRCh37 (hg19) VCF-style: chr19-42906000-A-C.
Other names: c.2445T>G, p.Ala815= (NM_001416100.1); c.2430T>G, p.Ala810= (NM_001416101.1); c.2325T>G, p.Ala775= (NM_001416102.1); c.2292T>G, p.Ala764= (NM_001416103.1, NM_001416104.1); c.2202T>G, p.Ala734= (NM_001416105.1); c.2097T>G, p.Ala699= (NM_001416106.1); c.1608T>G, p.Ala536= (NM_001416107.1); c.1554T>G, p.Ala518= (NM_001416108.1).
Identifiers: ClinVar variation 3025791 (VCV003025791.22), dbSNP rs1365592686, ClinGen allele CA507709123.

ClinVar aggregate classification (germline): Likely benign (1 of 4 stars; one submission).

Submission:

CeGaT Center for Human Genetics Tuebingen
Classification: Likely benign. Last evaluated: 2023-12-01. Review status: criteria provided, single submitter. Criteria: CeGaT Center For Human Genetics Tuebingen Variant Classification Criteria Version 2. Collection method: clinical testing. Allele origin: germline. Affected: yes. Observed: 1 variant allele.
Comment: LIPE: PM2:Supporting, BP4, BP7